The following is an entry in ClinVar:

ClinVar aggregate classification (germline): Uncertain significance. Review status: criteria provided, multiple submitters, no conflicts (2 of 4 stars). 4 submissions from 4 submitters: Uncertain significance (4). Last evaluated 2025-07-28.

Conditions:
Hereditary cancer-predisposing syndrome. Also called: Neoplastic Syndromes, Hereditary; Tumor predisposition; Hereditary Cancer Syndrome; Hereditary neoplastic syndrome. Identifiers: Orphanet 140162, MedGen C0027672, MeSH D009386, MONDO:0015356.
BAP1-related tumor predisposition syndrome (TPDS1). Also called: Tumor susceptibility linked to germline BAP1 mutations; COMMON Syndrome; TUMOR PREDISPOSITION SYNDROME 1; BAP1 tumor predisposition syndrome. Identifiers: Orphanet 289539, MedGen C3280492, MONDO:0013692, OMIM 614327.

Allele frequency attached by ClinVar (database versions not stated): TOPMed below 0.00001; gnomAD 0.00001.
gnomAD v4.1: 1 of 1,613,888 alleles (0.000062%); highest among the groups gnomAD compares: Non-Finnish European, 0.000085%; no homozygotes.

Submissions (4):

Ambry Genetics
Classification: Uncertain significance for Hereditary cancer-predisposing syndrome. Last evaluated: 2025-07-28. Review status: criteria provided, single submitter. Criteria: Ambry Variant Classification Scheme 2023. Collection method: clinical testing. Allele origin: germline.
Comment: The p.N504K variant (also known as c.1512C>G), located in coding exon 13 of the BAP1 gene, results from a C to G substitution at nucleotide position 1512. The asparagine at codon 504 is replaced by lysine, an amino acid with similar properties. This amino acid position is conserved. In addition, this alteration is predicted to be tolerated by in silico analysis. Since supporting evidence is limited at this time, the clinical significance of this alteration remains unclear.

Labcorp Genetics (formerly Invitae), Labcorp
Classification: Uncertain significance for BAP1-related tumor predisposition syndrome. Last evaluated: 2025-04-01. Review status: criteria provided, single submitter. Criteria: Invitae Variant Classification Sherloc (09022015). Collection method: clinical testing. Allele origin: germline.
Comment: This sequence change replaces asparagine, which is neutral and polar, with lysine, which is basic and polar, at codon 504 of the BAP1 protein (p.Asn504Lys). This variant is not present in population databases (gnomAD no frequency). This variant has not been reported in the literature in individuals affected with BAP1-related conditions. ClinVar contains an entry for this variant (Variation ID: 923482). Invitae Evidence Modeling of protein sequence and biophysical properties (such as structural, functional, and spatial information, amino acid conservation, physicochemical variation, residue mobility, and thermodynamic stability) indicates that this missense variant is expected to disrupt BAP1 protein function with a positive predictive value of 80%. In summary, the available evidence is currently insufficient to determine the role of this variant in disease. Therefore, it has been classified as a Variant of Uncertain Significance.

Color Diagnostics, LLC DBA Color Health
Classification: Uncertain significance for Hereditary cancer-predisposing syndrome. Last evaluated: 2024-03-06. Review status: criteria provided, single submitter. Criteria: ACMG Guidelines, 2015. Collection method: clinical testing. Allele origin: germline.
Comment: This missense variant replaces asparagine with lysine at codon 504 of the BAP1 protein. Computational prediction suggests that this variant may not impact protein structure and function (internally defined REVEL score threshold <= 0.5, PMID: 27666373). Splice site prediction tools suggest that this variant may not impact RNA splicing. To our knowledge, functional studies have not been reported for this variant. This variant has not been reported in individuals affected with hereditary cancer in the literature. This variant has not been identified in the general population by the Genome Aggregation Database (gnomAD). The available evidence is insufficient to determine the role of this variant in disease conclusively. Therefore, this variant is classified as a Variant of Uncertain Significance.

Baylor Genetics
Classification: Uncertain significance for BAP1-related tumor predisposition syndrome. Last evaluated: 2023-08-11. Review status: criteria provided, single submitter. Criteria: ACMG Guidelines, 2015. Collection method: clinical testing. Allele origin: unknown.

NM_004656.4(BAP1):c.1512C>G (p.Asn504Lys)

Gene: BAP1 (BRCA1 associated deubiquitinase 1; minus strand). Cytogenetic location: 3p21.1.
Variant type: single nucleotide variant.
Coding change: c.1512C>G on transcript NM_004656.4 (MANE Select); coding-DNA position 1512, C replaced by G.
Protein change: p.Asn504Lys; replaces asparagine 504 with lysine.
Molecular consequence: missense variant.
Genome position (GRCh38, 1-based): chr3:52,403,633, G>C on the plus strand (C>G on the coding strand, the complement: BAP1 is on the minus strand). VCF-style: chr3-52403633-G-C. GRCh37 (hg19) VCF-style: chr3-52437649-G-C.
Other names: short protein forms N504K.
Identifiers: ClinVar variation 923482 (VCV000923482.10), dbSNP rs1228626983, ClinGen allele CA353100894.